The following is an entry in ClinVar:

NM_031935.3(HMCN1):c.16178A>T (p.His5393Leu)

Gene: HMCN1 (hemicentin 1; plus strand). Cytogenetic location: 1q31.1.
Variant type: single nucleotide variant.
Coding change: c.16178A>T on transcript NM_031935.3 (MANE Select); coding-DNA position 16178, A replaced by T.
Protein change: p.His5393Leu; replaces histidine 5393 with leucine.
Molecular consequence: missense variant.
Genome position (GRCh38, 1-based): chr1:186,178,650, A>T. VCF-style: chr1-186178650-A-T. GRCh37 (hg19) VCF-style: chr1-186147782-A-T.
Other names: short protein forms H5393L.
Identifiers: ClinVar variation 2849997 (VCV002849997.3), dbSNP rs2528263142, ClinGen allele CA343938746.

ClinVar aggregate classification (germline): Uncertain significance (1 of 4 stars; one submission).

Submission:

Labcorp Genetics (formerly Invitae), Labcorp
Classification: Uncertain significance. Last evaluated: 2023-03-27. Review status: criteria provided, single submitter. Criteria: Invitae Variant Classification Sherloc (09022015). Collection method: clinical testing. Allele origin: germline.
Comment: In summary, the available evidence is currently insufficient to determine the role of this variant in disease. Therefore, it has been classified as a Variant of Uncertain Significance. An algorithm developed to predict the effect of missense changes on protein structure and function (PolyPhen-2) suggests that this variant is likely to be disruptive. This variant has not been reported in the literature in individuals affected with HMCN1-related conditions. This variant is not present in population databases (gnomAD no frequency). This sequence change replaces histidine, which is basic and polar, with leucine, which is neutral and non-polar, at codon 5393 of the HMCN1 protein (p.His5393Leu).